The following is an entry in ClinVar:

NM_000122.2(ERCC3):c.1354C>T (p.Arg452Ter)

Gene: ERCC3 (ERCC excision repair 3, TFIIH core complex helicase subunit; minus strand). Cytogenetic location: 2q14.3.
Variant type: single nucleotide variant.
Coding change: c.1354C>T on transcript NM_000122.2 (MANE Select); coding-DNA position 1354, C replaced by T.
Protein change: p.Arg452Ter; replaces arginine 452 with a stop codon.
Molecular consequence: nonsense.
Genome position (GRCh38, 1-based): chr2:127,280,620, G>A on the plus strand (C>T on the coding strand, the complement: ERCC3 is on the minus strand). VCF-style: chr2-127280620-G-A. GRCh37 (hg19) VCF-style: chr2-128038196-G-A.
Other names: c.1162C>T, p.Arg388Ter (NM_001303416.2, NM_001303418.2); short protein forms R388*, R452*.
Identifiers: ClinVar variation 995893 (VCV000995893.13), dbSNP rs150954655, ClinGen allele CA1858281.

ClinVar aggregate classification (germline): Pathogenic/Likely pathogenic. Review status: criteria provided, multiple submitters, no conflicts (2 of 4 stars). 5 submissions from 5 submitters: Pathogenic (1); Likely pathogenic (4). Last evaluated 2026-01-11.

Conditions:
Trichothiodystrophy 2, photosensitive (TTD2). Identifiers: Orphanet 33364, MedGen C4225344, MONDO:0014615, OMIM 616390.
Xeroderma pigmentosum group B. Also called: XP, GROUP B; XPB/CS; XERODERMA PIGMENTOSUM B/COCKAYNE SYNDROME; ERCC3-Related Xeroderma Pigmentosum. Identifiers: MedGen C0268136, MONDO:0012531, OMIM 610651.

Allele frequency attached by ClinVar (database versions not stated): gnomAD exomes 0.00002 and 0.00003; ESP Exome Variant Server 0.00031; ExAC 0.00005; gnomAD 0.00015 and 0.00013; TOPMed 0.00013.
gnomAD v4.1: 46 of 1,613,878 alleles (0.0029%); highest among the groups gnomAD compares: African/African-American, 0.045%; no homozygotes.

Submissions (5):

Labcorp Genetics (formerly Invitae), Labcorp
Classification: Pathogenic. Last evaluated: 2026-01-11. Review status: criteria provided, single submitter. Criteria: Invitae Variant Classification Sherloc (09022015). Collection method: clinical testing. Allele origin: germline.
Comment: This sequence change creates a premature translational stop signal (p.Arg452*) in the ERCC3 gene. It is expected to result in an absent or disrupted protein product. Loss-of-function variants in ERCC3 are known to be pathogenic (PMID: 16947863). This variant is present in population databases (rs150954655, gnomAD 0.01%). This variant has not been reported in the literature in individuals affected with ERCC3-related conditions. ClinVar contains an entry for this variant (Variation ID: 995893). For these reasons, this variant has been classified as Pathogenic.

Dasa
Classification: Likely pathogenic. Last evaluated: 2025-12-22. Review status: criteria provided, single submitter. Criteria: DASA Assertion Criteria. Collection method: clinical testing. Allele origin: germline.
Comment: NM_000122.2(ERCC3):c.1354C>T (p.Arg452*) is a nonsense variant in ERCC3 predicted to introduce a premature termination codon and is predicted to result in an absent or altered protein product. Loss of function is an established disease mechanism for ERCC3-associated disorders. This variant has been reported in individuals with ERCC3-related disorders (PMID: 32427313). Also, this variant is rare in population databases. Based on the currently available evidence, this variant is classified as likely pathogenic.

GeneDx
Classification: Likely pathogenic. Last evaluated: 2025-12-12. Review status: criteria provided, single submitter. Criteria: GeneDx Variant Classification Process June 2021. Collection method: clinical testing. Allele origin: germline. Affected: yes.
Comment: Reported in multiple patients with acute myeloid leukemia or retinoblastoma (PMID: 26689913, 34308366, 33466343, 39669595); Nonsense variant predicted to result in protein truncation or nonsense mediated decay in a gene for which loss of function is a known mechanism of disease; This variant is associated with the following publications: (PMID: 28873162, 16947863, 33466343, 32427313, 34308366, 31345219, 36451132, 39669595, 26689913)

Fulgent Genetics
Classification: Likely pathogenic for Xeroderma pigmentosum group B; Trichothiodystrophy 2, photosensitive. Last evaluated: 2024-05-16. Review status: criteria provided, single submitter. Criteria: ACMG Guidelines, 2015. Collection method: clinical testing. Allele origin: germline.

Department of Pediatrics, Memorial Sloan Kettering Cancer Center
Classification: Likely pathogenic for Xeroderma pigmentosum group B. Last evaluated: 2020-12-15. Review status: criteria provided, single submitter. Criteria: ACMG Guidelines, 2015. Collection method: research. Allele origin: germline. Affected: no.

Literature cited by the submitters: PubMed 16947863 (cited by Labcorp Genetics (formerly Invitae), Labcorp); PubMed 32427313 (cited by Dasa); PubMed 28873162 (cited by Department of Pediatrics, Memorial Sloan Kettering Cancer Center).